The following is an entry in ClinVar:

ClinVar aggregate classification (germline): Likely benign (1 of 4 stars; one submission).

Allele frequency attached by ClinVar (database versions not stated): 1000 Genomes Project 30x 0.00250; ExAC 0.06543.

Submission:

CeGaT Center for Human Genetics Tuebingen
Classification: Likely benign. Last evaluated: 2023-08-01. Review status: criteria provided, single submitter. Criteria: CeGaT Center For Human Genetics Tuebingen Variant Classification Criteria Version 2. Collection method: clinical testing. Allele origin: germline. Affected: yes. Observed: 1 variant allele.
Comment: MUC5AC: BP4, BP7

NM_001304359.2(MUC5AC):c.13785C>T (p.Pro4595=)

Gene: MUC5AC (mucin 5AC, oligomeric mucus/gel-forming; plus strand). Cytogenetic location: 11p15.5.
Variant type: single nucleotide variant.
Coding change: c.13785C>T on transcript NM_001304359.2 (MANE Select); coding-DNA position 13785, C replaced by T.
Protein change: p.Pro4595=; no amino-acid change (proline 4595 retained).
Molecular consequence: synonymous variant.
Genome position (GRCh38, 1-based): chr11:1,191,930, C>T. VCF-style: chr11-1191930-C-T. GRCh37 (hg19) VCF-style: chr11-1213155-C-T.
Identifiers: ClinVar variation 2641170 (VCV002641170.24), dbSNP rs77137100, ClinGen allele CA5802511.